The following is an entry in ClinVar:

ClinVar aggregate classification (germline): Likely benign (0 of 4 stars; one submission).

Conditions:
MAP1B-related disorder. Also called: MAP1B-related condition.

Allele frequency attached by ClinVar (database versions not stated): gnomAD 0.00008; gnomAD exomes 0.00009; TOPMed 0.00009; ExAC 0.00015; 1000 Genomes Project 0.00060; 1000 Genomes Project 30x 0.00062.
gnomAD v4.1: 143 of 1,614,206 alleles (0.0089%); highest among the groups gnomAD compares: East Asian, 0.31%; 1 homozygote.

Submission:

PreventionGenetics, part of Exact Sciences
Classification: Likely benign for MAP1B-related condition. Last evaluated: 2022-03-31. Review status: no assertion criteria provided. Collection method: clinical testing. Allele origin: germline.
Comment: This variant is classified as likely benign based on ACMG/AMP sequence variant interpretation guidelines (Richards et al. 2015 PMID: 25741868, with internal and published modifications).

NM_005909.5(MAP1B):c.4069C>T (p.Pro1357Ser)

Gene: MAP1B (microtubule associated protein 1B; plus strand). Cytogenetic location: 5q13.2.
Variant type: single nucleotide variant.
Coding change: c.4069C>T on transcript NM_005909.5 (MANE Select); coding-DNA position 4069, C replaced by T.
Protein change: p.Pro1357Ser; replaces proline 1357 with serine.
Molecular consequence: missense variant.
Genome position (GRCh38, 1-based): chr5:72,197,424, C>T. VCF-style: chr5-72197424-C-T. GRCh37 (hg19) VCF-style: chr5-71493251-C-T.
Other names: c.3691C>T, p.Pro1231Ser (NM_001324255.2); short protein forms P1231S, P1357S.
Identifiers: ClinVar variation 3054249 (VCV003054249.2), dbSNP rs147375647, ClinGen allele CA3299100.